The following is an entry in ClinVar:

ClinVar aggregate classification (germline): Conflicting classifications of pathogenicity. Review status: criteria provided, conflicting classifications (1 of 4 stars). 5 submissions from 5 submitters: Uncertain significance (1); Likely benign (4). Last evaluated 2025-11-03.

Conditions:
Cardiomyopathy (CMYO). Also called: Cardiomyopathies. Identifiers: Orphanet 167848, MedGen C0878544, MONDO:0004994, HP:0001638. Inheritance: Various modes of inheritance.
Cardiovascular phenotype. Identifiers: MedGen CN230736.
Hypertrophic cardiomyopathy. Also called: HYPERTROPHIC MYOCARDIOPATHY. Identifiers: Orphanet 217569, MedGen C0007194, MeSH D002312, MONDO:0005045, HP:0001639.

gnomAD v4.1: 8 of 1,610,986 alleles (0.0005%); highest among the groups gnomAD compares: Admixed American, 0.01%; no homozygotes.

Submissions (5):

Labcorp Genetics (formerly Invitae), Labcorp
Classification: Likely benign for Hypertrophic cardiomyopathy. Last evaluated: 2025-11-03. Review status: criteria provided, single submitter. Criteria: Invitae Variant Classification Sherloc (09022015). Collection method: clinical testing. Allele origin: germline.

All of Us Research Program, National Institutes of Health
Classification: Likely benign for Hypertrophic cardiomyopathy. Last evaluated: 2023-11-20. Review status: criteria provided, single submitter. Criteria: ACMG Guidelines, 2015. Collection method: clinical testing. Allele origin: germline. Inheritance: Autosomal dominant inheritance. Observed: 4 variant alleles, 4 heterozygotes.
Comment: This study involves interpretation of variants in research participants for the purpose of population health screening. Participant phenotype was not available at the time of variant classification. Additional details can be found in publication PMID: 35346344, PMCID: PMC8962531

Ambry Genetics
Classification: Uncertain significance for Cardiovascular phenotype. Last evaluated: 2023-02-21. Review status: criteria provided, single submitter. Criteria: Ambry Variant Classification Scheme 2023. Collection method: clinical testing. Allele origin: germline.
Comment: The c.3057G>A variant (also known as p.V1019V), located in coding exon 29 of the MYBPC3 gene, results from a G to A substitution at nucleotide position 3057. This nucleotide substitution does not change the valine at codon 1019. This nucleotide position is not well conserved in available vertebrate species. In silico splice site analysis predicts that this alteration may result in the creation or strengthening of a novel splice donor site. Since supporting evidence is limited at this time, the clinical significance of this alteration remains unclear.

Color Diagnostics, LLC DBA Color Health
Classification: Likely benign for Cardiomyopathy. Last evaluated: 2019-07-15. Review status: criteria provided, single submitter. Criteria: ACMG Guidelines, 2015. Collection method: clinical testing. Allele origin: germline.

GeneDx
Classification: Likely benign. Last evaluated: 2016-05-11. Review status: criteria provided, single submitter. Criteria: GeneDx Variant Classification (06012015). Collection method: clinical testing. Allele origin: germline. Affected: yes.
Comment: This variant is considered likely benign or benign based on one or more of the following criteria: it is a conservative change, it occurs at a poorly conserved position in the protein, it is predicted to be benign by multiple in silico algorithms, and/or has population frequency not consistent with disease.

NM_000256.3(MYBPC3):c.3057G>A (p.Val1019=)

Gene: MYBPC3 (myosin binding protein C3; minus strand). Cytogenetic location: 11p11.2.
Variant type: single nucleotide variant.
Coding change: c.3057G>A on transcript NM_000256.3 (MANE Select); coding-DNA position 3057, G replaced by A.
Protein change: p.Val1019=; no amino-acid change (valine 1019 retained).
Molecular consequence: synonymous variant.
Genome position (GRCh38, 1-based): chr11:47,333,690, C>T on the plus strand (G>A on the coding strand, the complement: MYBPC3 is on the minus strand). VCF-style: chr11-47333690-C-T. GRCh37 (hg19) VCF-style: chr11-47355241-C-T.
Other names: c.3057G>A, p.Val1019= (LRG_386t1).
Identifiers: ClinVar variation 386098 (VCV000386098.14), dbSNP rs750618688, ClinGen allele CA16606313.